The following is an entry in ClinVar:

ClinVar aggregate classification (germline): Uncertain significance. Review status: criteria provided, multiple submitters, no conflicts (2 of 4 stars). 2 submissions from 2 submitters: Uncertain significance (2). Last evaluated 2020-11-14.

Conditions:
Kabuki syndrome. Also called: Kabuki make-up syndrome; NIIKAWA-KUROKI SYNDROME. Identifiers: Orphanet 2322, MedGen C0796004, MONDO:0016512.

Submissions (2):

Labcorp Genetics (formerly Invitae), Labcorp
Classification: Uncertain significance for Kabuki syndrome. Last evaluated: 2020-11-14. Review status: criteria provided, single submitter. Criteria: Invitae Variant Classification Sherloc (09022015). Collection method: clinical testing. Allele origin: germline.
Comment: In summary, the available evidence is currently insufficient to determine the role of this variant in disease. Therefore, it has been classified as a Variant of Uncertain Significance. Advanced modeling of protein sequence and biophysical properties (such as structural, functional, and spatial information, amino acid conservation, physicochemical variation, residue mobility, and thermodynamic stability) performed at Invitae indicates that this missense variant is not expected to disrupt KMT2D protein function. This variant has not been reported in the literature in individuals with KMT2D-related conditions. This variant is not present in population databases (ExAC no frequency). This sequence change replaces proline with leucine at codon 2539 of the KMT2D protein (p.Pro2539Leu). The proline residue is moderately conserved and there is a moderate physicochemical difference between proline and leucine.

Breakthrough Genomics
Classification: Uncertain significance. Review status: criteria provided, single submitter. Criteria: ACMG Guidelines, 2015. Collection method: not provided. Allele origin: germline. Inheritance: Autosomal dominant inheritance. Affected: yes.

NM_003482.4(KMT2D):c.7616C>T (p.Pro2539Leu)

Gene: KMT2D (lysine methyltransferase 2D; minus strand). Cytogenetic location: 12q13.12.
Variant type: single nucleotide variant.
Coding change: c.7616C>T on transcript NM_003482.4 (MANE Select); coding-DNA position 7616, C replaced by T.
Protein change: p.Pro2539Leu; replaces proline 2539 with leucine.
Molecular consequence: missense variant.
Genome position (GRCh38, 1-based): chr12:49,040,154, G>A on the plus strand (C>T on the coding strand, the complement: KMT2D is on the minus strand). VCF-style: chr12-49040154-G-A. GRCh37 (hg19) VCF-style: chr12-49433937-G-A.
Other names: short protein forms P2539L.
Identifiers: ClinVar variation 1423001 (VCV001423001.9), dbSNP rs2120523112, ClinGen allele CA384747350.